The following is an entry in ClinVar:

ClinVar aggregate classification (germline): Pathogenic (1 of 4 stars; one submission).

Conditions:
Cornelia de Lange syndrome 1 (CDLS1). Also called: TYPUS DEGENERATIVUS AMSTELODAMENSIS; Brachmann de Lange syndrome; NIPBL-Related Cornelia de Lange Syndrome. Identifiers: Orphanet 199, MedGen C4551851, MONDO:0007387, OMIM 122470.

Submission:

Centre for Mendelian Genomics, University Medical Centre Ljubljana
Classification: Pathogenic for Cornelia de Lange syndrome 1. Last evaluated: 2016-01-01. Review status: criteria provided, single submitter. Criteria: ACMG Guidelines, 2015. Collection method: clinical testing. Allele origin: unknown. Affected: yes.
Comment: This variant was classified as: Pathogenic. The following ACMG criteria were applied in classifying this variant: PVS1,PM2,PP4.

NM_133433.4(NIPBL):c.3534_3535del (p.Lys1179fs)

Gene: NIPBL (NIPBL cohesin loading factor; plus strand). Cytogenetic location: 5p13.2.
Variant type: Deletion.
Coding change: c.3534_3535del on transcript NM_133433.4 (MANE Select); coding-DNA positions 3534 to 3535, 2 bases deleted (GA; older notation c.3534_3535delGA).
Protein change: p.Lys1179fs; shifts the reading frame from lysine 1179.
Molecular consequence: frameshift variant.
Genome position (GRCh38, 1-based): chr5:37,000,848-37,000,849, GA deleted; deleting any 2 consecutive bases within chr5:37,000,847-37,000,849 gives the same sequence; the c. name uses the placement nearest the transcript's 3' end. VCF-style (leftmost placement, unchanged base first): chr5-37000846-CAG-C. GRCh37 (hg19) VCF-style: chr5-37000948-CAG-C.
Other names: c.3534_3535del, p.Lys1179fs (NM_015384.5); short protein forms K1179fs.
Identifiers: ClinVar variation 932014 (VCV000932014.3), dbSNP rs1746711848, ClinGen allele CA1139658781.